The following is an entry in ClinVar:

NM_000388.4(CASR):c.131T>A (p.Val44Glu)

Gene: CASR (calcium sensing receptor; plus strand). Cytogenetic location: 3q21.1.
Variant type: single nucleotide variant.
Coding change: c.131T>A on transcript NM_000388.4 (MANE Select); coding-DNA position 131, T replaced by A.
Protein change: p.Val44Glu; replaces valine 44 with glutamic acid.
Molecular consequence: missense variant.
Genome position (GRCh38, 1-based): chr3:122,254,320, T>A. VCF-style: chr3-122254320-T-A. GRCh37 (hg19) VCF-style: chr3-121973167-T-A.
Other names: c.131T>A, p.Val44Glu (NM_001178065.2); short protein forms V44E.
Identifiers: ClinVar variation 1401670 (VCV001401670.8), dbSNP rs2074530498, ClinGen allele CA354362196.

ClinVar aggregate classification (germline): Uncertain significance. Review status: criteria provided, multiple submitters, no conflicts (2 of 4 stars). 2 submissions from 2 submitters: Uncertain significance (2). Last evaluated 2025-08-17.

Conditions:
Familial hypocalciuric hypercalcemia (FHH). Also called: Familial benign hypercalcemia. Identifiers: Orphanet 405, MedGen C1809471, MONDO:0018458.
Autosomal dominant hypocalcemia 1 (HYPOC1). Also called: HYPOCALCEMIA, FAMILIAL. Identifiers: MedGen C3715128, MONDO:0011013, OMIM 601198.
Nephrolithiasis/nephrocalcinosis. Identifiers: MedGen CN580796.

Allele frequency attached by ClinVar (database versions not stated): gnomAD exomes below 0.00001.
gnomAD v4.1: 3 of 1,614,008 alleles (0.00019%); highest among the groups gnomAD compares: Admixed American, 0.0033%; no homozygotes.

Submissions (2):

Labcorp Genetics (formerly Invitae), Labcorp
Classification: Uncertain significance for Familial hypocalciuric hypercalcemia; Autosomal dominant hypocalcemia 1. Last evaluated: 2025-08-17. Review status: criteria provided, single submitter. Criteria: Invitae Variant Classification Sherloc (09022015). Collection method: clinical testing. Allele origin: germline.
Comment: This sequence change replaces valine, which is neutral and non-polar, with glutamic acid, which is acidic and polar, at codon 44 of the CASR protein (p.Val44Glu). This variant is not present in population databases (gnomAD no frequency). This variant has not been reported in the literature in individuals affected with CASR-related conditions. ClinVar contains an entry for this variant (Variation ID: 1401670). An algorithm developed to predict the effect of missense changes on protein structure and function (PolyPhen-2) suggests that this variant is likely to be disruptive. In summary, the available evidence is currently insufficient to determine the role of this variant in disease. Therefore, it has been classified as a Variant of Uncertain Significance.

Ambry Genetics
Classification: Uncertain significance for Nephrolithiasis/nephrocalcinosis. Last evaluated: 2022-05-06. Review status: criteria provided, single submitter. Criteria: Ambry Variant Classification Scheme 2023. Collection method: clinical testing. Allele origin: germline.
Comment: The p.V44E variant (also known as c.131T>A), located in coding exon 1 of the CASR gene, results from a T to A substitution at nucleotide position 131. The valine at codon 44 is replaced by glutamic acid, an amino acid with dissimilar properties. This amino acid position is conserved. In addition, this alteration is predicted to be deleterious by in silico analysis. Since supporting evidence is limited at this time, the clinical significance of this alteration remains unclear.